The following is an entry in ClinVar:

NM_000238.4(KCNH2):c.2398+234C>T

Gene: KCNH2 (potassium voltage-gated channel subfamily H member 2; minus strand). Cytogenetic location: 7q36.1.
Variant type: single nucleotide variant.
Coding change: c.2398+234C>T on transcript NM_000238.4 (MANE Select); 234 bases into the intron after coding-DNA position 2398, C replaced by T.
Molecular consequence: intron variant. On other transcripts: missense variant (5).
Genome position (GRCh38, 1-based): chr7:150,949,934, G>A on the plus strand (C>T on the coding strand, the complement: KCNH2 is on the minus strand). VCF-style: chr7-150949934-G-A. GRCh37 (hg19) VCF-style: chr7-150647022-G-A.
Other names: p.R878C:CGC>TGC; c.1612C>T, p.Arg538Cys (NM_001204798.2); c.2455C>T, p.Arg819Cys (NM_001406755.1); c.2344C>T, p.Arg782Cys (NM_001406756.1); c.2332C>T, p.Arg778Cys (NM_001406757.1); c.2632C>T, p.Arg878Cys (NM_172056.3); c.1378+234C>T (NM_172057.3); short protein forms R878C, R538C, R778C, R782C, R819C.
Identifiers: ClinVar variation 200243 (VCV000200243.9), dbSNP rs370393086, ClinGen allele CA006645.

ClinVar aggregate classification (germline): Conflicting classifications of pathogenicity. Review status: criteria provided, conflicting classifications (1 of 4 stars). 5 submissions from 5 submitters: Uncertain significance (1); Likely benign (4). Last evaluated 2025-04-09.

Conditions:
Cardiac arrhythmia. Also called: Cardiac rhythm disease; Arrhythmia. Identifiers: MedGen C0003811, MONDO:0007263, HP:0011675.

Allele frequency attached by ClinVar (database versions not stated): gnomAD exomes 0.00006 and 0.00011; 1000 Genomes Project 30x 0.00016; ExAC 0.00023; ESP Exome Variant Server 0.00030; gnomAD 0.00030 and 0.00032; TOPMed 0.00034.
gnomAD v4.1: 136 of 1,524,998 alleles (0.0089%); highest among the groups gnomAD compares: African/African-American, 0.095%; no homozygotes.

Submissions (5):

Molecular Diagnostic Laboratory for Inherited Cardiovascular Disease, Montreal Heart Institute
Classification: Likely benign. Last evaluated: 2025-04-09. Review status: criteria provided, single submitter. Criteria: ACMG Guidelines, 2015. Collection method: clinical testing. Allele origin: germline. Affected: no.

ARUP Laboratories, Molecular Genetics and Genomics, ARUP Laboratories
Classification: Uncertain significance. Last evaluated: 2024-06-21. Review status: criteria provided, single submitter. Criteria: ARUP Molecular Germline Variant Investigation Process 2024. Collection method: clinical testing. Allele origin: germline.
Comment: The KCNH2 c.2632C>T; p.Arg878Cys variant (rs370393086) (also known as NM_000238.4: c.2398+234C>T), to our knowledge, is not reported in the medical literature but is reported in ClinVar (Variation ID: 200243). This variant is observed in the general population with an overall allele frequency of 0.01% (24/182834 alleles) in the Genome Aggregation Database (v2.1.1). Computational analyses are uncertain whether this variant is neutral or deleterious (REVEL: 0.318). Due to limited information, the clinical significance of this variant is uncertain at this time.

Blueprint Genetics
Classification: Likely benign. Last evaluated: 2024-03-01. Review status: criteria provided, single submitter. Criteria: ACMG Guidelines, 2015. Collection method: clinical testing. Allele origin: germline.

Color Diagnostics, LLC DBA Color Health
Classification: Likely benign for Arrhythmia. Last evaluated: 2019-04-15. Review status: criteria provided, single submitter. Criteria: ACMG Guidelines, 2015. Collection method: clinical testing. Allele origin: germline.

GeneDx
Classification: Likely benign. Last evaluated: 2017-06-21. Review status: criteria provided, single submitter. Criteria: GeneDx Variant Classification (06012015). Collection method: clinical testing. Allele origin: germline. Affected: yes.
Comment: This variant is considered likely benign or benign based on one or more of the following criteria: it is a conservative change, it occurs at a poorly conserved position in the protein, it is predicted to be benign by multiple in silico algorithms, and/or has population frequency not consistent with disease.